The following is an entry in ClinVar:

NM_000094.4(COL7A1):c.5154+5T>C

Gene: COL7A1 (collagen type VII alpha 1 chain; minus strand). Cytogenetic location: 3p21.31.
Variant type: single nucleotide variant.
Coding change: c.5154+5T>C on transcript NM_000094.4 (MANE Select); 5 bases into the intron after coding-DNA position 5154, T replaced by C.
Molecular consequence: intron variant.
Genome position (GRCh38, 1-based): chr3:48,579,780, A>G on the plus strand (T>C on the coding strand, the complement: COL7A1 is on the minus strand). VCF-style: chr3-48579780-A-G. GRCh37 (hg19) VCF-style: chr3-48617213-A-G.
Identifiers: ClinVar variation 345839 (VCV000345839.59), dbSNP rs2854400, ClinGen allele CA2379633.

ClinVar aggregate classification (germline): Likely benign. Review status: criteria provided, multiple submitters, no conflicts (2 of 4 stars). 10 submissions from 10 submitters: Likely benign (7). 3 of the submissions do not count toward it. Last evaluated 2026-09-25.

Conditions:
Epidermolysis bullosa dystrophica. Also called: Dystrophic epidermolysis bullosa, Hallopeau-Siemens type (formerly); Dystrophic epidermolysis bullosa. Identifiers: Orphanet 303, MedGen C0079294, MONDO:0006543.
COL7A1-related disorder. Also called: COL7A1- related disorders; COL7A1-related condition.

Allele frequency attached by ClinVar (database versions not stated): 1000 Genomes Project 30x 0.00109; 1000 Genomes Project 0.00140; TOPMed 0.00239; ESP Exome Variant Server 0.00277; gnomAD exomes 0.00302 and 0.00401; gnomAD 0.00308 and 0.00317; ExAC 0.00353.
gnomAD v4.1: 6,253 of 1,614,038 alleles (0.39%); highest among the groups gnomAD compares: Non-Finnish European, 0.48%; 18 homozygotes.

Submissions (10):

PreventionGenetics, part of Exact Sciences
Classification: Likely benign for COL7A1-related condition. Last evaluated: 2026-09-25. Review status: criteria provided, single submitter. Criteria: ACMG Guidelines, 2015. Collection method: clinical testing. Allele origin: germline.
Comment: This variant is classified as likely benign based on ACMG/AMP sequence variant interpretation guidelines (Richards et al. 2015 PMID: 25741868, with internal and published modifications).

CeGaT Center for Human Genetics Tuebingen
Classification: Likely benign. Last evaluated: 2026-03-01. Review status: criteria provided, single submitter. Criteria: CeGaT Center For Human Genetics Tuebingen Variant Classification Criteria Version 2. Collection method: clinical testing. Allele origin: germline. Affected: yes. Observed: 6 variant alleles.
Comment: COL7A1: BS2

Labcorp Genetics (formerly Invitae), Labcorp
Classification: Likely benign. Last evaluated: 2026-02-01. Review status: criteria provided, single submitter. Criteria: Invitae Variant Classification Sherloc (09022015). Collection method: clinical testing. Allele origin: germline.

Blueprint Genetics
Classification: Likely benign. Last evaluated: 2024-11-18. Review status: criteria provided, single submitter. Criteria: ACMG Guidelines, 2015. Collection method: clinical testing. Allele origin: germline.

GeneDx
Classification: Likely benign. Last evaluated: 2019-05-24. Review status: criteria provided, single submitter. Criteria: GeneDx Variant Classification Process June 2021. Collection method: clinical testing. Allele origin: germline. Affected: yes.

Illumina Laboratory Services, Illumina
Classification: Likely benign for Dystrophic epidermolysis bullosa. Last evaluated: 2018-01-13. Review status: criteria provided, single submitter. Criteria: ICSL Variant Classification Criteria 13 December 2019. Collection method: clinical testing. Allele origin: germline.
Comment: This variant was observed in the ICSL laboratory as part of a predisposition screen in an ostensibly healthy population. It had not been previously curated by ICSL or reported in the Human Gene Mutation Database (HGMD: prior to June 1st, 2018), and was therefore a candidate for classification through an automated scoring system. Utilizing variant allele frequency, disease prevalence and penetrance estimates, and inheritance mode, an automated score was calculated to assess if this variant is too frequent to cause the disease. Based on the score and internal cut-off values, a variant classified as likely benign is not then subjected to further curation. The score for this variant resulted in a classification of likely benign for this disease.

Breakthrough Genomics
Classification: Likely benign. Review status: criteria provided, single submitter. Criteria: ACMG Guidelines, 2015. Collection method: not provided. Allele origin: germline. Inheritance: Autosomal recessive inheritance. Affected: yes.

Natera, Inc.
Classification: Benign for Dystrophic epidermolysis bullosa. Last evaluated: 2020-06-04. Review status: no assertion criteria provided. Collection method: clinical testing. Allele origin: germline. Not counted in ClinVar's aggregate classification.

Diagnostic Laboratory, Department of Genetics, University Medical Center Groningen
Classification: Likely benign. Review status: no assertion criteria provided. Collection method: clinical testing. Allele origin: germline. Affected: yes. Study: VKGL Data-share Consensus. Not counted in ClinVar's aggregate classification.

Genome Diagnostics Laboratory, Amsterdam University Medical Center
Classification: Likely benign. Review status: no assertion criteria provided. Collection method: clinical testing. Allele origin: germline. Affected: yes. Study: VKGL Data-share Consensus. Not counted in ClinVar's aggregate classification.